The following is an entry in ClinVar:

ClinVar aggregate classification (germline): Uncertain significance (1 of 4 stars; one submission).

Conditions:
Monocytopenia with susceptibility to infections. Also called: MONOCYTOPENIA AND MYCOBACTERIAL INFECTION SYNDROME; MONOCYTOPENIA WITH SUSCEPTIBILITY TO MYCOBACTERIAL, FUNGAL, AND PAPILLOMAVIRUS INFECTIONS AND MYELODYSPLASIA; COMBINED IMMUNODEFICIENCY WITH SUSCEPTIBILITY TO MYCOBACTERIAL, VIRAL, AND FUNGAL INFECTIONS; Dendritic cell, monocyte, B lymphocyte, and natural killer lymphocyte deficiency; IMMUNODEFICIENCY 21; GATA2 DEFICIENCY. Identifiers: Orphanet 228423, MedGen C3280030, MONDO:0013607, OMIM 614172.
Deafness-lymphedema-leukemia syndrome. Also called: Lymphedema, primary, with myelodysplasia; Emberger syndrome. Identifiers: Orphanet 3226, MedGen C3279664, MONDO:0013540, OMIM 614038.

Submission:

Labcorp Genetics (formerly Invitae), Labcorp
Classification: Uncertain significance for Monocytopenia with susceptibility to infections; Deafness-lymphedema-leukemia syndrome. Last evaluated: 2023-09-25. Review status: criteria provided, single submitter. Criteria: Invitae Variant Classification Sherloc (09022015). Collection method: clinical testing. Allele origin: germline.
Comment: This sequence change replaces phenylalanine, which is neutral and non-polar, with tyrosine, which is neutral and polar, at codon 428 of the GATA2 protein (p.Phe428Tyr). This variant is not present in population databases (gnomAD no frequency). This variant has not been reported in the literature in individuals affected with GATA2-related conditions. Advanced modeling of protein sequence and biophysical properties (such as structural, functional, and spatial information, amino acid conservation, physicochemical variation, residue mobility, and thermodynamic stability) has been performed at Invitae for this missense variant, however the output from this modeling did not meet the statistical confidence thresholds required to predict the impact of this variant on GATA2 protein function. In summary, the available evidence is currently insufficient to determine the role of this variant in disease. Therefore, it has been classified as a Variant of Uncertain Significance.

NM_032638.5(GATA2):c.1283T>A (p.Phe428Tyr)

Gene: GATA2 (GATA binding protein 2; minus strand). Cytogenetic location: 3q21.3.
Variant type: single nucleotide variant.
Coding change: c.1283T>A on transcript NM_032638.5 (MANE Select); coding-DNA position 1283, T replaced by A.
Protein change: p.Phe428Tyr; replaces phenylalanine 428 with tyrosine.
Molecular consequence: missense variant.
Genome position (GRCh38, 1-based): chr3:128,481,179, A>T on the plus strand (T>A on the coding strand, the complement: GATA2 is on the minus strand). VCF-style: chr3-128481179-A-T. GRCh37 (hg19) VCF-style: chr3-128200022-A-T.
Other names: c.1283T>A, p.Phe428Tyr (NM_001145661.2); c.1241T>A, p.Phe414Tyr (NM_001145662.1); short protein forms F414Y, F428Y.
Identifiers: ClinVar variation 2952254 (VCV002952254.3), dbSNP rs2472918885, ClinGen allele CA354412867.